The following is an entry in ClinVar:

ClinVar aggregate classification (germline): Uncertain significance (1 of 4 stars; one submission).

Conditions:
Gorlin syndrome. Also called: Nevoid Basal Cell Carcinoma Syndrome; Basal cell nevus syndrome. Identifiers: Orphanet 377, MedGen C0004779, MONDO:0007187.

Submission:

Labcorp Genetics (formerly Invitae), Labcorp
Classification: Uncertain significance for Gorlin syndrome. Last evaluated: 2021-05-24. Review status: criteria provided, single submitter. Criteria: Invitae Variant Classification Sherloc (09022015). Collection method: clinical testing. Allele origin: germline.
Comment: This variant is not present in population databases (ExAC no frequency). This sequence change creates a premature translational stop signal (p.Tyr1225*) in the PTCH1 gene. While this is not anticipated to result in nonsense mediated decay, it is expected to disrupt the last 223 amino acid(s) of the PTCH1 protein. This variant has not been reported in the literature in individuals with PTCH1-related conditions. ClinVar contains an entry for this variant (Variation ID: 664486). In summary, the available evidence is currently insufficient to determine the role of this variant in disease. Therefore, it has been classified as a Variant of Uncertain Significance. Experimental studies and prediction algorithms are not available or were not evaluated, and the functional significance of this variant is currently unknown.

NM_000264.5(PTCH1):c.3675T>A (p.Tyr1225Ter)

Gene: PTCH1 (patched 1; minus strand). Cytogenetic location: 9q22.32.
Variant type: single nucleotide variant.
Coding change: c.3675T>A on transcript NM_000264.5 (MANE Select); coding-DNA position 3675, T replaced by A.
Protein change: p.Tyr1225Ter; replaces tyrosine 1225 with a stop codon.
Molecular consequence: nonsense. On other transcripts: non-coding transcript variant (1).
Genome position (GRCh38, 1-based): chr9:95,449,198, A>T on the plus strand (T>A on the coding strand, the complement: PTCH1 is on the minus strand). VCF-style: chr9-95449198-A-T. GRCh37 (hg19) VCF-style: chr9-98211480-A-T.
Other names: c.3477T>A, p.Tyr1159Ter (NM_001083602.3); c.3672T>A, p.Tyr1224Ter (NM_001083603.3); c.3222T>A, p.Tyr1074Ter (NM_001083604.3, NM_001083605.3, NM_001083606.3 and 1 more transcripts); c.3519T>A, p.Tyr1173Ter (NM_001354918.2); short protein forms Y1225*, Y1173*, Y1074*, Y1159*, Y1224*.
Identifiers: ClinVar variation 664486 (VCV000664486.9), dbSNP rs1588517196, ClinGen allele CA374111168.